The following is an entry in ClinVar:

ClinVar aggregate classification (germline): Uncertain significance. Review status: criteria provided, multiple submitters, no conflicts (2 of 4 stars). 5 submissions from 5 submitters: Uncertain significance (5). Last evaluated 2026-08-18.

Conditions:
ODAD1-related disorder. Also called: ODAD1-related condition.
Primary ciliary dyskinesia 20. Also called: CILIARY DYSKINESIA, PRIMARY, 20, WITH OR WITHOUT SITUS INVERSUS. Identifiers: Orphanet 244, MedGen C3540844, MONDO:0014030, OMIM 615067.
Primary ciliary dyskinesia. Also called: Ciliary dyskinesia. Identifiers: Orphanet 244, MedGen C0008780, MONDO:0016575, HP:0012265.

Submissions (5):

PreventionGenetics, part of Exact Sciences
Classification: Uncertain significance for ODAD1-related condition. Last evaluated: 2026-08-18. Review status: criteria provided, single submitter. Criteria: ACMG Guidelines, 2015. Collection method: clinical testing. Allele origin: germline.
Comment: The ODAD1 c.387_388insCGT variant is predicted to result in an in-frame amino acid insertion (p.Phe129_Asp130insArg). This variant has been reported in the homozygous state in an individual with primary ciliary dyskinesia (patient SI13, Postema MC et al 2020. PubMed ID: 32111882). This variant is reported in 0.063% of alleles in individuals of European (non-Finnish) descent in gnomAD and is consistently interpreted as uncertain in ClinVar (Variation ID: 406183). At this time, the clinical significance of this variant is uncertain due to the absence of conclusive functional and genetic evidence.

Blueprint Genetics
Classification: Uncertain significance. Last evaluated: 2024-11-22. Review status: criteria provided, single submitter. Criteria: ACMG Guidelines, 2015. Collection method: clinical testing. Allele origin: germline.

Labcorp Genetics (formerly Invitae), Labcorp
Classification: Uncertain significance for Primary ciliary dyskinesia. Last evaluated: 2022-07-05. Review status: criteria provided, single submitter. Criteria: Invitae Variant Classification Sherloc (09022015). Collection method: clinical testing. Allele origin: germline.
Comment: This variant, c.387_388insCGT, results in the insertion of 1 amino acid(s) of the CCDC114 protein (p.Phe129_Asp130insArg), but otherwise preserves the integrity of the reading frame. This variant is present in population databases (rs779459076, gnomAD 0.06%). This variant has been observed in individual(s) with primary ciliary dyskinesia (PMID: 32111882). This variant is also known as rs779459076, C/CACG ‚àí/R. ClinVar contains an entry for this variant (Variation ID: 406183). Experimental studies and prediction algorithms are not available or were not evaluated, and the functional significance of this variant is currently unknown. In summary, the available evidence is currently insufficient to determine the role of this variant in disease. Therefore, it has been classified as a Variant of Uncertain Significance.

Fulgent Genetics
Classification: Uncertain significance for Primary ciliary dyskinesia 20. Last evaluated: 2022-01-14. Review status: criteria provided, single submitter. Criteria: ACMG Guidelines, 2015. Collection method: clinical testing. Allele origin: unknown.

Ambry Genetics
Classification: Uncertain significance for Primary ciliary dyskinesia. Last evaluated: 2017-11-01. Review status: criteria provided, single submitter. Criteria: Ambry Variant Classification Scheme 2023. Collection method: clinical testing. Allele origin: germline.
Comment: The c.387_388insCGT variant (also known as p.F129_D130insR), located in coding exon 4 of the CCDC114 gene, results from an in-frame CGT insertion at nucleotide positions 387 to 388. This results in the insertion of an extra arginine residue between codons 129 and 130. Since supporting evidence is limited at this time, the clinical significance of this alteration remains unclear.

Literature cited by the submitters: PubMed 32111882 (cited by Labcorp Genetics (formerly Invitae), Labcorp).

NM_001364171.2(ODAD1):c.498_499insCGT (p.Phe166_Asp167insArg)

Gene: ODAD1 (outer dynein arm docking complex subunit 1; minus strand). Cytogenetic location: 19q13.33.
Variant type: Insertion.
Coding change: c.498_499insCGT on transcript NM_001364171.2 (MANE Select); coding-DNA positions 498 to 499, CGT inserted.
Protein change: p.Phe166_Asp167insArg.
Molecular consequence: inframe insertion.
Genome position: GRCh38 VCF-style: chr19-48311651-C-CACG. GRCh37 (hg19) VCF-style: chr19-48814908-C-CACG.
Other names: c.387_388insCGT, p.Phe129_Asp130insArg (NM_144577.4).
Identifiers: ClinVar variation 406183 (VCV000406183.12), dbSNP rs779459076, ClinGen allele CA9549037.
Genomic context (GRCh38, chr19:48,311,651, plus strand): 5'-TGTCGATCCGCAGCAGATCCAGCTCCTCCCGCAGGGCCGCATTCCGTACCAGCTGGTTGT[C>CACG]AAAGTGACAGGTGACCTGGGAGTAGAAAGGTGGATGGAAGAGTGGGTCTGAAGCCAAGTC-3'